The following is an entry in ClinVar:

NM_004385.5(VCAN):c.9686A>G (p.Asn3229Ser)

Genes: VCAN (versican; plus strand), VCAN-AS1 (VCAN antisense RNA 1; minus strand), LOC126807443 (BRD4-independent group 4 enhancer GRCh37_chr5:82849966-82851165; plus strand). Cytogenetic location: 5q14.3.
Variant type: single nucleotide variant.
Coding change: c.9686A>G on transcript NM_004385.5 (MANE Select); coding-DNA position 9686, A replaced by G.
Protein change: p.Asn3229Ser; replaces asparagine 3229 with serine.
Molecular consequence: missense variant.
Genome position (GRCh38, 1-based): chr5:83,554,989, A>G. VCF-style: chr5-83554989-A-G. GRCh37 (hg19) VCF-style: chr5-82850808-A-G.
Other names: c.1463A>G, p.Asn488Ser (NM_001126336.3); c.6725A>G, p.Asn2242Ser (NM_001164097.2); c.4424A>G, p.Asn1475Ser (NM_001164098.2); c.9686A>G (NM_004385.4); short protein forms N3229S, N2242S, N1475S, N488S.
Identifiers: ClinVar variation 1523497 (VCV001523497.10), dbSNP rs768896921, ClinGen allele CA3334068.
Genomic context (GRCh38, chr5:83,554,989, plus strand): 5'-ATATCTGTGTGGTTTCCTATCCCTTAGGTGTGGGCCATGATTATCAGTGGATAGGCCTCA[A>G]TGACAAGATGTTTGAGCATGACTTCCGTTGGACTGATGGCAGCACACTGGTAAGATGCCC-3'
Protein context (NP_004376.2, residues 3219-3239): VGHDYQWIGL[Asn3229Ser]DKMFEHDFRW

ClinVar aggregate classification (germline): Uncertain significance. Review status: criteria provided, multiple submitters, no conflicts (2 of 4 stars). 3 submissions from 3 submitters: Uncertain significance (3). Last evaluated 2026-07-22.

Conditions:
VCAN-related disorder. Also called: VCAN-related condition.
Wagner disease. Also called: Wagner syndrome; WAGNER VITREORETINOPATHY; Wagner Vitreoretinal Degeneration (Wagner Synrdome); WAGNER VITREORETINAL DEGENERATION; WAGNER SYNDROME 1; HYALOIDEORETINAL DEGENERATION OF WAGNER. Identifiers: Orphanet 898, MedGen C1840452, MONDO:0007740, OMIM 143200.

Allele frequency attached by ClinVar (database versions not stated): gnomAD exomes 0.00002 and 0.00005; TOPMed 0.00002; gnomAD 0.00003; ExAC 0.00002.
gnomAD v4.1: 80 of 1,613,620 alleles (0.005%); highest among the groups gnomAD compares: Middle Eastern, 0.016%; no homozygotes.

Submissions (3):

PreventionGenetics, part of Exact Sciences
Classification: Uncertain significance for VCAN-related condition. Last evaluated: 2026-07-22. Review status: criteria provided, single submitter. Criteria: ACMG Guidelines, 2015. Collection method: clinical testing. Allele origin: germline.
Comment: The VCAN c.9686A>G variant is predicted to result in the amino acid substitution p.Asn3229Ser. To our knowledge, this variant has not been reported in the literature. This variant is reported in 0.0062% of alleles in individuals of European (Non-Finnish) descent in gnomAD. At this time, the clinical significance of this variant is uncertain due to the absence of conclusive functional and genetic evidence.

Labcorp Genetics (formerly Invitae), Labcorp
Classification: Uncertain significance. Last evaluated: 2025-03-04. Review status: criteria provided, single submitter. Criteria: Invitae Variant Classification Sherloc (09022015). Collection method: clinical testing. Allele origin: germline.
Comment: This sequence change replaces asparagine, which is neutral and polar, with serine, which is neutral and polar, at codon 3229 of the VCAN protein (p.Asn3229Ser). This variant is present in population databases (rs768896921, gnomAD 0.006%). This variant has not been reported in the literature in individuals affected with VCAN-related conditions. ClinVar contains an entry for this variant (Variation ID: 1523497). An algorithm developed to predict the effect of missense changes on protein structure and function (PolyPhen-2) suggests that this variant is likely to be disruptive. In summary, the available evidence is currently insufficient to determine the role of this variant in disease. Therefore, it has been classified as a Variant of Uncertain Significance.

Department of Pathology and Laboratory Medicine, Sinai Health System
Classification: Uncertain significance for Wagner disease. Last evaluated: 2023-02-09. Review status: criteria provided, single submitter. Criteria: ACMG Guidelines, 2015. Collection method: research. Allele origin: germline.